The following is an entry in ClinVar:

ClinVar aggregate classification (germline): Uncertain significance. Review status: criteria provided, multiple submitters, no conflicts (2 of 4 stars). 2 submissions from 2 submitters: Uncertain significance (2). Last evaluated 2025-11-22.

Allele frequency attached by ClinVar (database versions not stated): ExAC 0.00009.
gnomAD v4.1: 144 of 1,562,050 alleles (0.0092%); highest among the groups gnomAD compares: Non-Finnish European, 0.012%; no homozygotes.

Submissions (2):

Labcorp Genetics (formerly Invitae), Labcorp
Classification: Uncertain significance. Last evaluated: 2025-11-22. Review status: criteria provided, single submitter. Criteria: Invitae Variant Classification Sherloc (09022015). Collection method: clinical testing. Allele origin: germline.
Comment: This sequence change replaces glutamic acid, which is acidic and polar, with glutamine, which is neutral and polar, at codon 947 of the ZNF687 protein (p.Glu947Gln). This variant is present in population databases (rs772239352, gnomAD 0.006%). This variant has not been reported in the literature in individuals affected with ZNF687-related conditions. ClinVar contains an entry for this variant (Variation ID: 2173466). An algorithm developed to predict the effect of missense changes on protein structure and function (PolyPhen-2) suggests that this variant is likely to be tolerated. In summary, the available evidence is currently insufficient to determine the role of this variant in disease. Therefore, it has been classified as a Variant of Uncertain Significance.

Ambry Genetics
Classification: Uncertain significance. Last evaluated: 2025-08-12. Review status: criteria provided, single submitter. Criteria: Ambry Variant Classification Scheme 2023. Collection method: clinical testing. Allele origin: germline.

NM_020832.3(ZNF687):c.2839G>C (p.Glu947Gln)

Gene: ZNF687 (zinc finger protein 687; plus strand). Cytogenetic location: 1q21.3.
Variant type: single nucleotide variant.
Coding change: c.2839G>C on transcript NM_020832.3 (MANE Select); coding-DNA position 2839, G replaced by C.
Protein change: p.Glu947Gln; replaces glutamic acid 947 with glutamine.
Molecular consequence: missense variant.
Genome position (GRCh38, 1-based): chr1:151,289,882, G>C. VCF-style: chr1-151289882-G-C. GRCh37 (hg19) VCF-style: chr1-151262358-G-C.
Other names: c.2839G>C, p.Glu947Gln (NM_001304763.2, NM_001304764.2); c.2839G>C (NM_020832.1); short protein forms E947Q.
Identifiers: ClinVar variation 2173466 (VCV002173466.6), dbSNP rs772239352, ClinGen allele CA1088657.
Genomic context (GRCh38, chr1:151,289,882, plus strand): 5'-GAAGAGGAGGAAGTACCCAGCTCCCCTGAGCCCCCCCGTCCAGCCAAACGGCCTCGGCGG[G>C]AACTAGGGAGCAAAGGCCTCAAGGGTGGGGGTGGGGGGCCTGGAGGCTGGACCTGTGGCC-3'
Protein context (NP_065883.1, residues 937-957): PPRPAKRPRR[Glu947Gln]LGSKGLKGGG